The following is an entry in ClinVar:

ClinVar aggregate classification (germline): Conflicting classifications of pathogenicity. Review status: criteria provided, conflicting classifications (1 of 4 stars). 4 submissions from 4 submitters: Uncertain significance (2); Benign (1); Likely benign (1). Last evaluated 2026-01-01.

Conditions:
Familial thoracic aortic aneurysm and aortic dissection (TAAD). Also called: Thoracic aortic aneurysms and dissections. Identifiers: Orphanet 91387, MedGen C4707243, MONDO:0019625.
Aortic aneurysm, familial thoracic 4 (AAT4). Also called: AORTIC ANEURYSM/AORTIC DISSECTION AND PATENT DUCTUS ARTERIOSUS. Identifiers: MedGen C1851504, MONDO:0007568, OMIM 132900.

Allele frequency attached by ClinVar (database versions not stated): gnomAD exomes below 0.00001 and 0.00003.
gnomAD v4.1: 8 of 1,614,024 alleles (0.0005%); highest among the groups gnomAD compares: East Asian, 0.013%; no homozygotes.

Submissions (4):

Labcorp Genetics (formerly Invitae), Labcorp
Classification: Uncertain significance for Aortic aneurysm, familial thoracic 4. Last evaluated: 2026-01-01. Review status: criteria provided, single submitter. Criteria: Invitae Variant Classification Sherloc (09022015). Collection method: clinical testing. Allele origin: germline.
Comment: This sequence change replaces alanine, which is neutral and non-polar, with serine, which is neutral and polar, at codon 341 of the MYH11 protein (p.Ala341Ser). This variant is present in population databases (no rsID available, gnomAD 0.04%). This variant has not been reported in the literature in individuals affected with MYH11-related conditions. ClinVar contains an entry for this variant (Variation ID: 923059). Invitae Evidence Modeling of protein sequence and biophysical properties (such as structural, functional, and spatial information, amino acid conservation, physicochemical variation, residue mobility, and thermodynamic stability) indicates that this missense variant is not expected to disrupt MYH11 protein function with a negative predictive value of 95%. In summary, the available evidence is currently insufficient to determine the role of this variant in disease. Therefore, it has been classified as a Variant of Uncertain Significance.

Ambry Genetics
Classification: Uncertain significance for Familial thoracic aortic aneurysm and aortic dissection. Last evaluated: 2025-05-18. Review status: criteria provided, single submitter. Criteria: Ambry Variant Classification Scheme 2023. Collection method: clinical testing. Allele origin: germline.
Comment: The p.A334S variant (also known as c.1000G>T), located in coding exon 8 of the MYH11 gene, results from a G to T substitution at nucleotide position 1000. The alanine at codon 334 is replaced by serine, an amino acid with similar properties. This amino acid position is conserved. In addition, this alteration is predicted to be tolerated by in silico analysis. Based on the available evidence, the clinical significance of this variant remains unclear.

Color Diagnostics, LLC DBA Color Health
Classification: Benign for Familial thoracic aortic aneurysm and aortic dissection. Last evaluated: 2024-09-12. Review status: criteria provided, single submitter. Criteria: ACMG Guidelines, 2015. Collection method: clinical testing. Allele origin: germline.

All of Us Research Program, National Institutes of Health
Classification: Likely benign for Familial thoracic aortic aneurysm and aortic dissection. Last evaluated: 2023-09-18. Review status: criteria provided, single submitter. Criteria: ACMG Guidelines, 2015. Collection method: clinical testing. Allele origin: germline. Inheritance: Autosomal dominant inheritance. Observed: 1 variant allele, 1 heterozygote.
Comment: This study involves interpretation of variants in research participants for the purpose of population health screening. Participant phenotype was not available at the time of variant classification. Additional details can be found in publication PMID: 35346344, PMCID: PMC8962531

NM_002474.3(MYH11):c.1000G>T (p.Ala334Ser)

Gene: MYH11 (myosin heavy chain 11; minus strand). Cytogenetic location: 16p13.11.
Variant type: single nucleotide variant.
Coding change: c.1000G>T on transcript NM_002474.3 (MANE Select); coding-DNA position 1000, G replaced by T.
Protein change: p.Ala334Ser; replaces alanine 334 with serine.
Molecular consequence: missense variant.
Genome position (GRCh38, 1-based): chr16:15,771,602, C>A on the plus strand (G>T on the coding strand, the complement: MYH11 is on the minus strand). VCF-style: chr16-15771602-C-A. GRCh37 (hg19) VCF-style: chr16-15865459-C-A.
Other names: c.1021G>T, p.Ala341Ser (NM_001040113.2, NM_001040114.2); c.1000G>T, p.Ala334Ser (NM_022844.3); c.1000G>T (NM_002474.2); short protein forms A334S, A341S.
Identifiers: ClinVar variation 923059 (VCV000923059.7), dbSNP rs1425974785, ClinGen allele CA394867645.